The following is an entry in ClinVar:

NM_198503.5(KCNT2):c.136G>A (p.Glu46Lys)

Gene: KCNT2 (potassium sodium-activated channel subfamily T member 2; minus strand). Cytogenetic location: 1q31.3.
Variant type: single nucleotide variant.
Coding change: c.136G>A on transcript NM_198503.5 (MANE Select); coding-DNA position 136, G replaced by A.
Protein change: p.Glu46Lys; replaces glutamic acid 46 with lysine.
Molecular consequence: missense variant. On other transcripts: non-coding transcript variant (2).
Genome position (GRCh38, 1-based): chr1:196,492,301, C>T on the plus strand (G>A on the coding strand, the complement: KCNT2 is on the minus strand). VCF-style: chr1-196492301-C-T. GRCh37 (hg19) VCF-style: chr1-196461431-C-T.
Other names: c.136G>A, p.Glu46Lys (NM_001287819.3, NM_001287820.3); short protein forms E46K.
Identifiers: ClinVar variation 5008028 (VCV005008028.1).

ClinVar aggregate classification (germline): Uncertain significance (1 of 4 stars; one submission).

gnomAD v4.1: 2 of 1,437,564 alleles (0.00014%); highest among the groups gnomAD compares: Non-Finnish European, 0.00019%; no homozygotes.

Submission:

GeneDx
Classification: Uncertain significance. Last evaluated: 2026-02-27. Review status: criteria provided, single submitter. Criteria: GeneDx Variant Classification Process June 2021. Collection method: clinical testing. Allele origin: germline.
Comment: Not observed at significant frequency in large population cohorts (gnomAD); In silico analysis supports that this missense variant has a deleterious effect on protein structure/function; Has not been previously published as pathogenic or benign to our knowledge